The following is an entry in ClinVar:

NM_001267550.2(TTN):c.58260G>A (p.Trp19420Ter)

Genes: TTN (titin; minus strand), TTN-AS1 (TTN antisense RNA 1; plus strand). Cytogenetic location: 2q31.2.
Variant type: single nucleotide variant.
Coding change: c.58260G>A on transcript NM_001267550.2 (MANE Select); coding-DNA position 58260, G replaced by A.
Protein change: p.Trp19420Ter; replaces tryptophan 19420 with a stop codon.
Molecular consequence: nonsense.
Genome position (GRCh38, 1-based): chr2:178,594,133, C>T on the plus strand (G>A on the coding strand, the complement: TTN is on the minus strand). VCF-style: chr2-178594133-C-T. GRCh37 (hg19) VCF-style: chr2-179458860-C-T.
Other names: c.53337G>A, p.Trp17779Ter (NM_001256850.1); c.31065G>A, p.Trp10355Ter (NM_003319.4); c.50556G>A, p.Trp16852Ter (NM_133378.4); c.31440G>A, p.Trp10480Ter (NM_133432.3); c.31641G>A, p.Trp10547Ter (NM_133437.4); short protein forms W10355*, W10547*, W16852*, W19420*, W10480*, W17779*.
Identifiers: ClinVar variation 2032123 (VCV002032123.4), dbSNP rs2469616125, ClinGen allele CA349507890.

ClinVar aggregate classification (germline): Likely pathogenic (1 of 4 stars; one submission).

Conditions:
Dilated cardiomyopathy 1G (CMD1G). Identifiers: Orphanet 154, MedGen C1858763, MONDO:0011400, OMIM 604145.
Autosomal recessive limb-girdle muscular dystrophy type 2J (LGMDR10). Also called: Limb-girdle muscular dystrophy, type 2J; MUSCULAR DYSTROPHY, LIMB-GIRDLE, AUTOSOMAL RECESSIVE 10. Identifiers: Orphanet 140922, MedGen C1837342, MONDO:0012127, OMIM 608807.

Submission:

Labcorp Genetics (formerly Invitae), Labcorp
Classification: Likely pathogenic for Dilated cardiomyopathy 1G; Autosomal recessive limb-girdle muscular dystrophy type 2J. Last evaluated: 2022-09-27. Review status: criteria provided, single submitter. Criteria: Invitae Variant Classification Sherloc (09022015). Collection method: clinical testing. Allele origin: germline.
Comment: In summary, the currently available evidence indicates that the variant is pathogenic, but additional data are needed to prove that conclusively. Therefore, this variant has been classified as Likely Pathogenic. This variant is located in the A band of TTN (PMID: 25589632). Truncating variants in this region are significantly overrepresented in patients affected with dilated cardiomyopathy (PMID: 25589632). Truncating variants in this region have also been reported in individuals affected with autosomal recessive centronuclear myopathy (PMID: 23975875). This variant has not been reported in the literature in individuals affected with TTN-related conditions. This variant is not present in population databases (gnomAD no frequency). This sequence change creates a premature translational stop signal (p.Trp19420*) in the TTN gene. While this is not anticipated to result in nonsense mediated decay, it is expected to create a truncated TTN protein.

Literature cited by the submitters: PubMed 25589632; PubMed 23975875.